The following is an entry in ClinVar:

ClinVar aggregate classification (germline): Conflicting classifications of pathogenicity. Review status: criteria provided, conflicting classifications (1 of 4 stars). 14 submissions from 10 submitters: Uncertain significance (10); Likely benign (1). 3 of the submissions do not count toward it. Last evaluated 2026-05-25.

Conditions:
Leber congenital amaurosis 10 (LCA10). Identifiers: Orphanet 65, MedGen C1857821, MONDO:0012723, OMIM 611755.
Senior-Loken syndrome 6 (SLSN6). Identifiers: Orphanet 3156, MedGen C1857779, MONDO:0012433, OMIM 610189.
Bardet-Biedl syndrome 14 (BBS14). Identifiers: Orphanet 110, MedGen C2673874, MONDO:0014442, OMIM 615991.
Joubert syndrome 5 (JBTS5). Identifiers: Orphanet 2318, MedGen C1857780, MONDO:0012432, OMIM 610188.
Meckel syndrome, type 4 (MKS4). Also called: MECKEL-GRUBER SYNDROME, TYPE 4. Identifiers: Orphanet 564, MedGen C1970161, MONDO:0012626, OMIM 611134.
Leber congenital amaurosis (LCA). Also called: Leber's amaurosis. Identifiers: Orphanet 65, MedGen C0339527, MeSH D057130, MONDO:0018998.
CEP290-related disorder. Also called: CEP290-related disorders; CEP290-related condition. Identifiers: MedGen CN239314.
Nephronophthisis. Also called: Juvenile Nephronophthisis. Identifiers: Orphanet 655, MedGen C0687120, MONDO:0019005, HP:0000090.
Meckel-Gruber syndrome. Also called: DYSENCEPHALIA SPLANCHNOCYSTICA; GRUBER SYNDROME; Dysencephalia splachnocystica. Identifiers: Orphanet 564, MedGen C0265215, MONDO:0018921.
Joubert syndrome. Also called: Familial aplasia of the vermis; JOUBERT-BOLTSHAUSER SYNDROME. Identifiers: Orphanet 475, MedGen C5979921, MONDO:0018772.
Intellectual disability. Also called: Intellectual developmental disorder; intellectual disabilities; Intellectual functioning disability. Identifiers: MedGen C3714756, MeSH D008607, MONDO:0001071, HP:0001249.
Retinal dystrophy. Also called: Inherited retinal dystrophy. Identifiers: Orphanet 71862, MedGen C0854723, MeSH D058499, MONDO:0019118, HP:0000556.

Allele frequency attached by ClinVar (database versions not stated): ExAC 0.00015; gnomAD 0.00016; gnomAD exomes 0.00017 and 0.00024; 1000 Genomes Project 0.00020; TOPMed 0.00024; 1000 Genomes Project 30x 0.00031; ESP Exome Variant Server 0.00042.
gnomAD v4.1: 370 of 1,603,370 alleles (0.023%); highest among the groups gnomAD compares: Non-Finnish European, 0.029%; no homozygotes.

Submissions (14):

PreventionGenetics, part of Exact Sciences
Classification: Uncertain significance for CEP290-related condition. Last evaluated: 2026-05-25. Review status: criteria provided, single submitter. Criteria: ACMG Guidelines, 2015. Collection method: clinical testing. Allele origin: germline.
Comment: The CEP290 c.523C>A variant is predicted to result in the amino acid substitution p.Gln175Lys. This variant was reported as a variant of uncertain significance in an obesity cohort; however, detailed clinical information was not available (Tamaroff et al. 2023. PubMed ID: 37810530). This variant is reported in 0.025% of alleles in individuals of Latino descent in gnomAD. At this time, the clinical significance of this variant is uncertain due to the absence of conclusive functional and genetic evidence.

GeneDx
Classification: Likely benign. Last evaluated: 2025-02-11. Review status: criteria provided, single submitter. Criteria: GeneDx Variant Classification Process June 2021. Collection method: clinical testing. Allele origin: germline. Affected: yes.
Comment: See Variant Classification Assertion Criteria.

Fulgent Genetics
Classification: Uncertain significance for Joubert syndrome 5; Senior-Loken syndrome 6; Meckel syndrome, type 4; Leber congenital amaurosis 10; Bardet-Biedl syndrome 14. Last evaluated: 2024-03-08. Review status: criteria provided, single submitter. Criteria: ACMG Guidelines, 2015. Collection method: clinical testing. Allele origin: germline.

Blueprint Genetics
Classification: Uncertain significance. Last evaluated: 2024-01-31. Review status: criteria provided, single submitter. Criteria: ACMG Guidelines, 2015. Collection method: clinical testing. Allele origin: germline.

Labcorp Genetics (formerly Invitae), Labcorp
Classification: Uncertain significance for Joubert syndrome; Meckel-Gruber syndrome; Nephronophthisis. Last evaluated: 2022-10-25. Review status: criteria provided, single submitter. Criteria: Invitae Variant Classification Sherloc (09022015). Collection method: clinical testing. Allele origin: germline.
Comment: This sequence change replaces glutamine, which is neutral and polar, with lysine, which is basic and polar, at codon 175 of the CEP290 protein (p.Gln175Lys). This variant is present in population databases (rs202159966, gnomAD 0.03%). This variant has not been reported in the literature in individuals affected with CEP290-related conditions. ClinVar contains an entry for this variant (Variation ID: 376782). Advanced modeling of protein sequence and biophysical properties (such as structural, functional, and spatial information, amino acid conservation, physicochemical variation, residue mobility, and thermodynamic stability) performed at Invitae indicates that this missense variant is expected to disrupt CEP290 protein function. In summary, the available evidence is currently insufficient to determine the role of this variant in disease. Therefore, it has been classified as a Variant of Uncertain Significance.

Illumina Laboratory Services, Illumina
Classification: Uncertain significance for Joubert syndrome 5. Last evaluated: 2018-01-12. Review status: criteria provided, single submitter. Criteria: ICSL Variant Classification Criteria 13 December 2019. Collection method: clinical testing. Allele origin: germline.

Illumina Laboratory Services, Illumina
Classification: Uncertain significance for Meckel syndrome, type 4. Last evaluated: 2018-01-12. Review status: criteria provided, single submitter. Criteria: ICSL Variant Classification Criteria 13 December 2019. Collection method: clinical testing. Allele origin: germline.

Illumina Laboratory Services, Illumina
Classification: Uncertain significance for Senior-Loken syndrome 6. Last evaluated: 2018-01-12. Review status: criteria provided, single submitter. Criteria: ICSL Variant Classification Criteria 13 December 2019. Collection method: clinical testing. Allele origin: germline.

Illumina Laboratory Services, Illumina
Classification: Uncertain significance for Leber congenital amaurosis 10. Last evaluated: 2018-01-12. Review status: criteria provided, single submitter. Criteria: ICSL Variant Classification Criteria 13 December 2019. Collection method: clinical testing. Allele origin: germline.

Illumina Laboratory Services, Illumina
Classification: Uncertain significance for Bardet-Biedl syndrome 14. Last evaluated: 2018-01-12. Review status: criteria provided, single submitter. Criteria: ICSL Variant Classification Criteria 13 December 2019. Collection method: clinical testing. Allele origin: germline.

Center for Pediatric Genomic Medicine, Children's Mercy Hospital and Clinics
Classification: Uncertain significance. Last evaluated: 2016-07-12. Review status: criteria provided, single submitter. Criteria: ACMG Guidelines, 2015. Collection method: clinical testing. Allele origin: germline.
ClinVar note: Converted during submission from Uncertain Significance to Uncertain significance.

Natera, Inc.
Classification: Uncertain significance for Leber congenital amaurosis. Last evaluated: 2020-04-17. Review status: no assertion criteria provided. Collection method: clinical testing. Allele origin: germline. Not counted in ClinVar's aggregate classification.

Institute of Human Genetics, Univ. Regensburg, Univ. Regensburg
Classification: Uncertain significance for Retinal dystrophy. Last evaluated: 2020-01-01. Review status: no assertion criteria provided. Criteria: ACMG Guidelines, 2015. Collection method: clinical testing. Allele origin: germline. Affected: yes. Not counted in ClinVar's aggregate classification.

Centre de Biologie Pathologie Génétique, Centre Hospitalier Universitaire de Lille
Classification: Uncertain significance for Intellectual disability. Last evaluated: 2019-01-01. Review status: no assertion criteria provided. Collection method: clinical testing. Allele origin: unknown. Affected: yes. Not counted in ClinVar's aggregate classification.

NM_025114.4(CEP290):c.523C>A (p.Gln175Lys)

Gene: CEP290 (centrosomal protein 290; minus strand). Cytogenetic location: 12q21.32.
Variant type: single nucleotide variant.
Coding change: c.523C>A on transcript NM_025114.4 (MANE Select); coding-DNA position 523, C replaced by A.
Protein change: p.Gln175Lys; replaces glutamine 175 with lysine.
Molecular consequence: missense variant.
Genome position (GRCh38, 1-based): chr12:88,130,414, G>T on the plus strand (C>A on the coding strand, the complement: CEP290 is on the minus strand). VCF-style: chr12-88130414-G-T. GRCh37 (hg19) VCF-style: chr12-88524191-G-T.
Other names: short protein forms Q175K.
Identifiers: ClinVar variation 376782 (VCV000376782.23), dbSNP rs202159966, ClinGen allele CA6712745.